The following is an entry in ClinVar:

NM_000358.3(TGFBI):c.1553T>C (p.Leu518Pro)

Gene: TGFBI (transforming growth factor beta induced; plus strand). Cytogenetic location: 5q31.1.
Variant type: single nucleotide variant.
Coding change: c.1553T>C on transcript NM_000358.3 (MANE Select); coding-DNA position 1553, T replaced by C.
Protein change: p.Leu518Pro; replaces leucine 518 with proline.
Molecular consequence: missense variant.
Genome position (GRCh38, 1-based): chr5:136,056,670, T>C. VCF-style: chr5-136056670-T-C. GRCh37 (hg19) VCF-style: chr5-135392359-T-C.
Other names: short protein forms L518P.
Identifiers: ClinVar variation 4849671 (VCV004849671.1).
Genomic context (GRCh38, chr5:136,056,670, plus strand): 5'-GTATTTAAGGAAAATACCTGTTGACAGGTGACATTTTCTGTGTGTGTATCTACAGCATGC[T>C]GGTAGCTGCCATCCAGTCTGCAGGACTGACGGAGACCCTCAACCGGGAAGGAGTCTACAC-3'
Protein context (NP_000349.1, residues 508-528): VLKGDNRFSM[Leu518Pro]VAAIQSAGLT

ClinVar aggregate classification (germline): Likely pathogenic (1 of 4 stars; one submission).

Conditions:
Lattice corneal dystrophy Type I (CDL1). Identifiers: Orphanet 98964, MedGen C1690006, MONDO:0007380, OMIM 122200.

Submission:

Diagnostics Services (NGS), CSIR - Centre For Cellular And Molecular Biology
Classification: Likely pathogenic for Lattice corneal dystrophy Type I. Last evaluated: 2026-01-19. Review status: criteria provided, single submitter. Criteria: ACMG Guidelines, 2015. Collection method: clinical testing. Allele origin: germline. Affected: yes. Observed: 1 variant allele, 1 heterozygote.
Comment: The c.1553T>C variant is not present in publicly available population databases like 1000 Genomes, EVS, gnomAD, Indian Exome Database or our internal database. This variant has been previously observed in individual(s) affected with lattice corneal dystrophy (LCD), published in literature multiple times and reported to the Human Genome Mutation Database (HGMD ID- CM991174). In-silico pathogenicity prediction programs like Polyphen-2, MutationTaster2, CADD, etc predicted this variant to be likely deleterious. Published functional studies reveal that this variant has a potential role in the protein deposits of LCD [PMID:21948648]. This variant is present in a mutational hotspot region of the gene and a different amino acid change in the same codon (Leu518Arg) has been previously observed in affected individuals, published in literature several times and reported to the HGMD database (ID- CM022469).

Literature cited by the submitters: PubMed 21948648.